The following is an entry in ClinVar:

NM_001330723.2(SNX27):c.318C>T (p.His106=)

Gene: SNX27 (sorting nexin 27; plus strand). Cytogenetic location: 1q21.3.
Variant type: single nucleotide variant.
Coding change: c.318C>T on transcript NM_001330723.2 (MANE Select); coding-DNA position 318, C replaced by T.
Protein change: p.His106=; no amino-acid change (histidine 106 retained).
Molecular consequence: synonymous variant.
Genome position (GRCh38, 1-based): chr1:151,638,894, C>T. VCF-style: chr1-151638894-C-T. GRCh37 (hg19) VCF-style: chr1-151611370-C-T.
Other names: c.318C>T, p.His106= (NM_030918.6).
Identifiers: ClinVar variation 760095 (VCV000760095.13), dbSNP rs574875506, ClinGen allele CA1093390.

ClinVar aggregate classification (germline): Likely benign. Review status: criteria provided, single submitter (1 of 4 stars). 2 submissions from 2 submitters: Likely benign (1). 1 of the submissions does not count toward it. Last evaluated 2024-02-23.

Conditions:
SNX27-related disorder. Also called: SNX27-related condition.
Severe myoclonic epilepsy in infancy (DRVT). Also called: Dravet syndrome; Severe Myoclonic Epilepsy in Infancy (SMEI); Epileptic encephalopathy, early infantile, 6 (Dravet syndrome); SEVERE MYOCLONIC EPILEPSY OF INFANCY; DEVELOPMENTAL AND EPILEPTIC ENCEPHALOPATHY 6A. Identifiers: Orphanet 33069, MedGen C0751122, MONDO:0100135, OMIM 607208.

Allele frequency attached by ClinVar (database versions not stated): gnomAD 0.00001 and 0.00002; gnomAD exomes 0.00001 and 0.00002; TOPMed 0.00001; ExAC 0.00002; 1000 Genomes Project 30x 0.00016; 1000 Genomes Project 0.00020.
gnomAD v4.1: 22 of 1,614,060 alleles (0.0014%); highest among the groups gnomAD compares: South Asian, 0.0044%; no homozygotes.

Submissions (2):

Labcorp Genetics (formerly Invitae), Labcorp
Classification: Likely benign for Severe myoclonic epilepsy in infancy. Last evaluated: 2024-02-23. Review status: criteria provided, single submitter. Criteria: Invitae Variant Classification Sherloc (09022015). Collection method: clinical testing. Allele origin: germline.

PreventionGenetics, part of Exact Sciences
Classification: Likely benign for SNX27-related condition. Last evaluated: 2020-01-08. Review status: no assertion criteria provided. Collection method: clinical testing. Allele origin: germline. Not counted in ClinVar's aggregate classification.
Comment: This variant is classified as likely benign based on ACMG/AMP sequence variant interpretation guidelines (Richards et al. 2015 PMID: 25741868, with internal and published modifications).